The following is an entry in ClinVar:

ClinVar aggregate classification (germline): Uncertain significance (1 of 4 stars; one submission).

Submission:

CeGaT Center for Human Genetics Tuebingen
Classification: Uncertain significance. Last evaluated: 2024-06-01. Review status: criteria provided, single submitter. Criteria: CeGaT Center For Human Genetics Tuebingen Variant Classification Criteria Version 2. Collection method: clinical testing. Allele origin: germline. Affected: yes. Observed: 1 variant allele.
Comment: SOS1: PM2, PS2:Moderate

NM_005633.4(SOS1):c.2006C>T (p.Pro669Leu)

Gene: SOS1 (SOS Ras/Rac guanine nucleotide exchange factor 1; minus strand). Cytogenetic location: 2p22.1.
Variant type: single nucleotide variant.
Coding change: c.2006C>T on transcript NM_005633.4 (MANE Select); coding-DNA position 2006, C replaced by T.
Protein change: p.Pro669Leu; replaces proline 669 with leucine.
Molecular consequence: missense variant.
Genome position (GRCh38, 1-based): chr2:39,013,924, G>A on the plus strand (C>T on the coding strand, the complement: SOS1 is on the minus strand). VCF-style: chr2-39013924-G-A. GRCh37 (hg19) VCF-style: chr2-39241065-G-A.
Other names: c.1985C>T, p.Pro662Leu (NM_001382394.1); c.2006C>T, p.Pro669Leu (NM_001382395.1); short protein forms P662L, P669L.
Identifiers: ClinVar variation 3251176 (VCV003251176.18), dbSNP rs2528999961.